The following is an entry in ClinVar:

NM_016333.4(SRRM2):c.8066G>C (p.Arg2689Pro)

Gene: SRRM2 (serine/arginine repetitive matrix 2; plus strand). Cytogenetic location: 16p13.3.
Variant type: single nucleotide variant.
Coding change: c.8066G>C on transcript NM_016333.4 (MANE Select); coding-DNA position 8066, G replaced by C.
Protein change: p.Arg2689Pro; replaces arginine 2689 with proline.
Molecular consequence: missense variant.
Genome position (GRCh38, 1-based): chr16:2,770,396, G>C. VCF-style: chr16-2770396-G-C. GRCh37 (hg19) VCF-style: chr16-2820397-G-C.
Other names: short protein forms R2689P.
Identifiers: ClinVar variation 4175158 (VCV004175158.5).

ClinVar aggregate classification (germline): Conflicting classifications of pathogenicity. Review status: criteria provided, conflicting classifications (1 of 4 stars). 2 submissions from 2 submitters: Uncertain significance (1); Likely benign (1). Last evaluated 2026-03-01.

Conditions:
Inborn genetic diseases. Identifiers: MedGen C0950123, MeSH D030342.

gnomAD v4.1: 20 of 1,609,328 alleles (0.0012%); highest among the groups gnomAD compares: Non-Finnish European, 0.0017%; no homozygotes.

Submissions (2):

CeGaT Center for Human Genetics Tuebingen
Classification: Likely benign. Last evaluated: 2026-03-01. Review status: criteria provided, single submitter. Criteria: CeGaT Center For Human Genetics Tuebingen Variant Classification Criteria Version 2. Collection method: clinical testing. Allele origin: germline. Affected: yes. Observed: 1 variant allele.
Comment: SRRM2: BS2

Ambry Genetics
Classification: Uncertain significance for Inborn genetic diseases. Last evaluated: 2025-06-24. Review status: criteria provided, single submitter. Criteria: Ambry Variant Classification Scheme 2023. Collection method: clinical testing. Allele origin: germline.